The following is an entry in ClinVar:

ClinVar aggregate classification (germline): Uncertain significance. Review status: criteria provided, multiple submitters, no conflicts (2 of 4 stars). 2 submissions from 2 submitters: Uncertain significance (2). Last evaluated 2022-06-27.

Conditions:
Inborn genetic diseases. Identifiers: MedGen C0950123, MeSH D030342.

Allele frequency attached by ClinVar (database versions not stated): gnomAD exomes below 0.00001 and 0.00002; gnomAD 0.00007 and 0.00008; TOPMed 0.00008.
gnomAD v4.1: 18 of 1,557,728 alleles (0.0012%); highest among the groups gnomAD compares: African/African-American, 0.02%; no homozygotes.

Submissions (2):

Labcorp Genetics (formerly Invitae), Labcorp
Classification: Uncertain significance. Last evaluated: 2022-06-27. Review status: criteria provided, single submitter. Criteria: Invitae Variant Classification Sherloc (09022015). Collection method: clinical testing. Allele origin: germline.
Comment: This sequence change replaces glycine, which is neutral and non-polar, with alanine, which is neutral and non-polar, at codon 69 of the OSTM1 protein (p.Gly69Ala). This variant is present in population databases (no rsID available, gnomAD 0.02%). This variant has not been reported in the literature in individuals affected with OSTM1-related conditions. Algorithms developed to predict the effect of missense changes on protein structure and function output the following: SIFT: "Deleterious"; PolyPhen-2: "Probably Damaging"; Align-GVGD: "Class C0". The alanine amino acid residue is found in multiple mammalian species, which suggests that this missense change does not adversely affect protein function. In summary, the available evidence is currently insufficient to determine the role of this variant in disease. Therefore, it has been classified as a Variant of Uncertain Significance.

Ambry Genetics
Classification: Uncertain significance for Inborn genetic diseases. Last evaluated: 2021-08-17. Review status: criteria provided, single submitter. Criteria: Ambry Variant Classification Scheme 2023. Collection method: clinical testing. Allele origin: germline.

NM_014028.4(OSTM1):c.206G>C (p.Gly69Ala)

Gene: OSTM1 (osteoclastogenesis associated transmembrane protein 1; minus strand). Cytogenetic location: 6q21.
Variant type: single nucleotide variant.
Coding change: c.206G>C on transcript NM_014028.4 (MANE Select); coding-DNA position 206, G replaced by C.
Protein change: p.Gly69Ala; replaces glycine 69 with alanine.
Molecular consequence: missense variant.
Genome position (GRCh38, 1-based): chr6:108,074,446, C>G on the plus strand (G>C on the coding strand, the complement: OSTM1 is on the minus strand). VCF-style: chr6-108074446-C-G. GRCh37 (hg19) VCF-style: chr6-108395650-C-G.
Other names: c.206G>C (NM_014028.3); short protein forms G69A.
Identifiers: ClinVar variation 1397607 (VCV001397607.6), dbSNP rs1035853952, ClinGen allele CA145661195.